The following is an entry in ClinVar:

NM_001376.5(DYNC1H1):c.8178-3C>T

Gene: DYNC1H1 (dynein cytoplasmic 1 heavy chain 1; plus strand). Cytogenetic location: 14q32.31.
Variant type: single nucleotide variant.
Coding change: c.8178-3C>T on transcript NM_001376.5 (MANE Select); 3 bases into the intron before coding-DNA position 8178, C replaced by T.
Molecular consequence: intron variant.
Genome position (GRCh38, 1-based): chr14:102,018,448, C>T. VCF-style: chr14-102018448-C-T. GRCh37 (hg19) VCF-style: chr14-102484785-C-T.
Identifiers: ClinVar variation 2091410 (VCV002091410.4), dbSNP rs2048350111, ClinGen allele CA2159604237.
Genomic context (GRCh38, chr14:102,018,448, plus strand): 5'-ACACTGCCCCTTCCTGGGAGGCGCTGTCAGGGAGGGGCGCTGAGCGGGGCTATCTGTGCA[C>T]AGGTTCCTGCGCCACGTGCCTGTCGTGTATGTGGATTACCCGGGCCCCGCCTCCCTCACA-3'

ClinVar aggregate classification (germline): Uncertain significance (1 of 4 stars; one submission).

Conditions:
Charcot-Marie-Tooth disease axonal type 2O. Also called: CHARCOT-MARIE-TOOTH NEUROPATHY, AXONAL, TYPE 2O; CHARCOT-MARIE-TOOTH DISEASE, AXONAL, AUTOSOMAL DOMINANT, TYPE 2O; Charcot-Marie-Tooth Neuropathy Type 2O; Charcot-Marie-Tooth disease, axonal, type 20. Identifiers: Orphanet 284232, MedGen C3280220, MONDO:0013644, OMIM 614228.

Allele frequency attached by ClinVar (database versions not stated): TOPMed below 0.00001.

Submission:

Labcorp Genetics (formerly Invitae), Labcorp
Classification: Uncertain significance for Charcot-Marie-Tooth disease axonal type 2O. Last evaluated: 2025-12-11. Review status: criteria provided, single submitter. Criteria: Invitae Variant Classification Sherloc (09022015). Collection method: clinical testing. Allele origin: germline.
Comment: This sequence change falls in intron 40 of the DYNC1H1 gene. It does not directly change the encoded amino acid sequence of the DYNC1H1 protein. It affects a nucleotide within the consensus splice site. This variant is not present in population databases (gnomAD no frequency). This variant has not been reported in the literature in individuals affected with DYNC1H1-related conditions. ClinVar contains an entry for this variant (Variation ID: 2091410). Variants that disrupt the consensus splice site are a relatively common cause of aberrant splicing (PMID: 17576681, 9536098). Algorithms developed to predict the effect of sequence changes on RNA splicing suggest that this variant is not likely to affect RNA splicing. In summary, the available evidence is currently insufficient to determine the role of this variant in disease. Therefore, it has been classified as a Variant of Uncertain Significance.

Literature cited by the submitters: PubMed 17576681; PubMed 9536098.